The following is an entry in ClinVar:

ClinVar aggregate classification (germline): Uncertain significance (1 of 4 stars; one submission).

Allele frequency attached by ClinVar (database versions not stated): gnomAD 0.00001; ExAC 0.00002; TOPMed 0.00002; ESP Exome Variant Server 0.00008.
gnomAD v4.1: 15 of 1,613,590 alleles (0.00093%); highest among the groups gnomAD compares: South Asian, 0.0011%; no homozygotes.

Submission:

CeGaT Center for Human Genetics Tuebingen
Classification: Uncertain significance. Last evaluated: 2022-10-01. Review status: criteria provided, single submitter. Criteria: CeGaT Center For Human Genetics Tuebingen Variant Classification Criteria Version 2. Collection method: clinical testing. Allele origin: germline. Affected: yes. Observed: 1 variant allele.
Comment: TANC2: PM2, PP3

NM_001394998.1(TANC2):c.4111C>T (p.Arg1371Trp)

Gene: TANC2 (tetratricopeptide repeat, ankyrin repeat and coiled-coil containing 2; plus strand). Cytogenetic location: 17q23.3.
Variant type: single nucleotide variant.
Coding change: c.4111C>T on transcript NM_001394998.1 (MANE Select); coding-DNA position 4111, C replaced by T.
Protein change: p.Arg1371Trp; replaces arginine 1371 with tryptophan.
Molecular consequence: missense variant.
Genome position (GRCh38, 1-based): chr17:63,415,618, C>T. VCF-style: chr17-63415618-C-T. GRCh37 (hg19) VCF-style: chr17-61492979-C-T.
Other names: c.3889C>T, p.Arg1297Trp (NM_001411076.1); c.3859C>T, p.Arg1287Trp (NM_025185.4); short protein forms R1287W, R1297W, R1371W.
Identifiers: ClinVar variation 2648062 (VCV002648062.24), dbSNP rs372803024, ClinGen allele CA8698170.